The following is an entry in ClinVar:

NM_147127.5(EVC2):c.450+2T>G

Gene: EVC2 (EvC ciliary complex subunit 2; minus strand). Cytogenetic location: 4p16.2.
Variant type: single nucleotide variant.
Coding change: c.450+2T>G on transcript NM_147127.5 (MANE Select); the canonical splice donor site of the intron after coding-DNA position 450, T replaced by G.
Molecular consequence: splice donor variant.
Genome position (GRCh38, 1-based): chr4:5,694,333, A>C on the plus strand (T>G on the coding strand, the complement: EVC2 is on the minus strand). VCF-style: chr4-5694333-A-C. GRCh37 (hg19) VCF-style: chr4-5696060-A-C.
Other names: c.210+2T>G (NM_001166136.2).
Identifiers: ClinVar variation 2033112 (VCV002033112.4), dbSNP rs781096099, ClinGen allele CA356150231.

ClinVar aggregate classification (germline): Likely pathogenic (1 of 4 stars; one submission).

Conditions:
Ellis-van Creveld syndrome (EVC). Also called: MESOECTODERMAL DYSPLASIA; EVC-Related Ellis-van Creveld Syndrome; EVC2-Related Ellis-van Creveld Syndrome; Chondroectodermal dysplasia. Identifiers: Orphanet 289, MedGen C0013903, MONDO:0009162, OMIM 225500.
Curry-Hall syndrome (WAD). Also called: WEYERS ACRODENTAL DYSOSTOSIS. Identifiers: Orphanet 952, MedGen C0457013, MONDO:0008673, OMIM 193530.

Submission:

Labcorp Genetics (formerly Invitae), Labcorp
Classification: Likely pathogenic for Curry-Hall syndrome; Ellis-van Creveld syndrome. Last evaluated: 2023-10-06. Review status: criteria provided, single submitter. Criteria: Invitae Variant Classification Sherloc (09022015). Collection method: clinical testing. Allele origin: germline.
Comment: This sequence change affects a donor splice site in intron 3 of the EVC2 gene. It is expected to disrupt RNA splicing. Variants that disrupt the donor or acceptor splice site typically lead to a loss of protein function (PMID: 16199547), and loss-of-function variants in EVC2 are known to be pathogenic (PMID: 17024374, 19810119, 19876929). This variant is not present in population databases (gnomAD no frequency). This variant has not been reported in the literature in individuals affected with EVC2-related conditions. ClinVar contains an entry for this variant (Variation ID: 2033112). Algorithms developed to predict the effect of sequence changes on RNA splicing suggest that this variant may disrupt the consensus splice site. In summary, the currently available evidence indicates that the variant is pathogenic, but additional data are needed to prove that conclusively. Therefore, this variant has been classified as Likely Pathogenic.

Literature cited by the submitters: PubMed 16199547; PubMed 17024374; PubMed 19810119; PubMed 19876929.